The following is an entry in ClinVar:

NM_001349999.2(RBFOX2):c.662A>G (p.Lys221Arg)

Gene: RBFOX2 (RNA binding fox-1 homolog 2; minus strand). Cytogenetic location: 22q12.3.
Variant type: single nucleotide variant.
Coding change: c.662A>G on transcript NM_001349999.2 (MANE Select); coding-DNA position 662, A replaced by G.
Protein change: p.Lys221Arg; replaces lysine 221 with arginine.
Molecular consequence: missense variant.
Genome position (GRCh38, 1-based): chr22:35,778,026, T>C on the plus strand (A>G on the coding strand, the complement: RBFOX2 is on the minus strand). VCF-style: chr22-35778026-T-C. GRCh37 (hg19) VCF-style: chr22-36174073-T-C.
Other names: c.656A>G, p.Lys219Arg (NM_001394108.1); c.659A>G, p.Lys220Arg (NM_001394109.1, NM_001394110.1, NM_001394111.1 and 4 more transcripts); c.662A>G, p.Lys221Arg (NM_001394114.1, NM_001082578.4); c.452A>G, p.Lys151Arg (NM_014309.4, NM_001349997.2); c.515A>G, p.Lys172Arg (NM_001349989.2, NM_001349990.2, NM_001349991.2 and 5 more transcripts); c.449A>G, p.Lys150Arg (NM_001349998.2, NM_001031695.4, NM_001082576.3 and 2 more transcripts); short protein forms K150R, K151R, K172R, K219R, K220R, K221R.
Identifiers: ClinVar variation 2577600 (VCV002577600.2), dbSNP rs2520233906, ClinGen allele CA411362655.

ClinVar aggregate classification (germline): Pathogenic (1 of 4 stars; one submission).

Submission:

GeneDx
Classification: Pathogenic. Last evaluated: 2024-10-01. Review status: criteria provided, single submitter. Criteria: GeneDx Variant Classification Process June 2021. Collection method: clinical testing. Allele origin: germline.
Comment: Apparently de novo variant in a patient undergoing exome reanalysis in published literature; however, clinical information was not provide on the proband (PMID: 30577886); Not observed at significant frequency in large population cohorts (gnomAD); In silico analysis supports a deleterious effect on splicing; In silico analysis supports that this missense variant has a deleterious effect on protein structure/function; This variant is associated with the following publications: (PMID: 32368696, 30577886, 31941532)